The following is an entry in ClinVar:

NM_001267550.2(TTN):c.1566A>C (p.Val522=)

Gene: TTN (titin; minus strand). Cytogenetic location: 2q31.2.
Variant type: single nucleotide variant.
Coding change: c.1566A>C on transcript NM_001267550.2 (MANE Select); coding-DNA position 1566, A replaced by C.
Protein change: p.Val522=; no amino-acid change (valine 522 retained).
Molecular consequence: synonymous variant.
Genome position (GRCh38, 1-based): chr2:178,792,168, T>G on the plus strand (A>C on the coding strand, the complement: TTN is on the minus strand). VCF-style: chr2-178792168-T-G. GRCh37 (hg19) VCF-style: chr2-179656895-T-G.
Other names: c.1566A>C, p.Val522= (NM_001256850.1, NM_003319.4, NM_133378.4 and 3 more transcripts).
Identifiers: ClinVar variation 1775363 (VCV001775363.4), dbSNP rs2533909416, ClinGen allele CA430114210.

ClinVar aggregate classification (germline): Conflicting classifications of pathogenicity. Review status: criteria provided, conflicting classifications (1 of 4 stars). 2 submissions from 2 submitters: Uncertain significance (1); Likely benign (1). Last evaluated 2024-10-29.

Conditions:
Cardiovascular phenotype. Identifiers: MedGen CN230736.
Autosomal recessive limb-girdle muscular dystrophy type 2J (LGMDR10). Also called: MUSCULAR DYSTROPHY, LIMB-GIRDLE, AUTOSOMAL RECESSIVE 10; Limb-girdle muscular dystrophy, type 2J. Identifiers: Orphanet 140922, MedGen C1837342, MONDO:0012127, OMIM 608807.
Dilated cardiomyopathy 1G (CMD1G). Identifiers: Orphanet 154, MedGen C1858763, MONDO:0011400, OMIM 604145.

Submissions (2):

Labcorp Genetics (formerly Invitae), Labcorp
Classification: Likely benign for Dilated cardiomyopathy 1G; Autosomal recessive limb-girdle muscular dystrophy type 2J. Last evaluated: 2024-10-29. Review status: criteria provided, single submitter. Criteria: Invitae Variant Classification Sherloc (09022015). Collection method: clinical testing. Allele origin: germline.

Ambry Genetics
Classification: Uncertain significance for Cardiovascular phenotype. Last evaluated: 2022-10-19. Review status: criteria provided, single submitter. Criteria: Ambry Variant Classification Scheme 2023. Collection method: clinical testing. Allele origin: germline.
Comment: The c.1566A>C variant (also known as p.V522V), located in coding exon 9 of the TTN gene, results from an A to C substitution at nucleotide position 1566. This nucleotide substitution does not change the valine at codon 522. This nucleotide position is well conserved in available vertebrate species. In silico splice site analysis for this alteration is inconclusive. Since supporting evidence is limited at this time, the clinical significance of this alteration remains unclear.